The following is an entry in ClinVar:

NM_020778.5(ALPK3):c.724C>G (p.Pro242Ala)

Gene: ALPK3 (alpha kinase 3; plus strand). Cytogenetic location: 15q25.3.
Variant type: single nucleotide variant.
Coding change: c.724C>G on transcript NM_020778.5 (MANE Select); coding-DNA position 724, C replaced by G.
Protein change: p.Pro242Ala; replaces proline 242 with alanine.
Molecular consequence: missense variant.
Genome position (GRCh38, 1-based): chr15:84,840,003, C>G. VCF-style: chr15-84840003-C-G. GRCh37 (hg19) VCF-style: chr15-85383234-C-G.
Other names: short protein forms P242A.
Identifiers: ClinVar variation 1483116 (VCV001483116.6), dbSNP rs2141556560, ClinGen allele CA393373373.

ClinVar aggregate classification (germline): Uncertain significance (1 of 4 stars; one submission).

Submission:

Labcorp Genetics (formerly Invitae), Labcorp
Classification: Uncertain significance. Last evaluated: 2025-08-30. Review status: criteria provided, single submitter. Criteria: Invitae Variant Classification Sherloc (09022015). Collection method: clinical testing. Allele origin: germline.
Comment: This sequence change replaces proline, which is neutral and non-polar, with alanine, which is neutral and non-polar, at codon 444 of the ALPK3 protein (p.Pro444Ala). This variant is not present in population databases (gnomAD no frequency). This variant has not been reported in the literature in individuals affected with ALPK3-related conditions. ClinVar contains an entry for this variant (Variation ID: 1483116). Invitae Evidence Modeling of protein sequence and biophysical properties (such as structural, functional, and spatial information, amino acid conservation, physicochemical variation, residue mobility, and thermodynamic stability) indicates that this missense variant is not expected to disrupt ALPK3 protein function with a negative predictive value of 80%. In summary, the available evidence is currently insufficient to determine the role of this variant in disease. Therefore, it has been classified as a Variant of Uncertain Significance.